The following is an entry in ClinVar:

ClinVar aggregate classification (germline): Uncertain significance. Review status: criteria provided, multiple submitters, no conflicts (2 of 4 stars). 3 submissions from 3 submitters: Uncertain significance (3). Last evaluated 2025-11-13.

Conditions:
Methylcobalamin deficiency type cblG (HMAG). Also called: HOMOCYSTINURIA-MEGALOBLASTIC ANEMIA, cblG COMPLEMENTATION TYPE; HOMOCYSTINURIA-MEGALOBLASTIC ANEMIA, cblG TYPE; HOMOCYSTINURIA-MEGALOBLASTIC ANEMIA DUE TO DEFECT IN COBALAMIN METABOLISM, cblG COMPLEMENTATION TYPE; Functional methionine synthase deficiency type cblG. Identifiers: Orphanet 2170, Orphanet 622, MedGen C1855128, MONDO:0009609, OMIM 250940.
Inborn genetic diseases. Identifiers: MedGen C0950123, MeSH D030342.

Allele frequency attached by ClinVar (database versions not stated): TOPMed 0.00011; gnomAD exomes 0.00012 and 0.00014; ExAC 0.00013; gnomAD 0.00015 and 0.00016; ESP Exome Variant Server 0.00023.
gnomAD v4.1: 235 of 1,614,086 alleles (0.015%); highest among the groups gnomAD compares: Non-Finnish European, 0.019%; no homozygotes.

Submissions (3):

Ambry Genetics
Classification: Uncertain significance for Inborn genetic diseases. Last evaluated: 2025-11-13. Review status: criteria provided, single submitter. Criteria: Ambry Variant Classification Scheme 2023. Collection method: clinical testing. Allele origin: germline.

GeneDx
Classification: Uncertain significance. Last evaluated: 2022-10-08. Review status: criteria provided, single submitter. Criteria: GeneDx Variant Classification Process June 2021. Collection method: clinical testing. Allele origin: germline. Affected: yes.
Comment: In silico analysis supports that this missense variant does not alter protein structure/function; Has not been previously published as pathogenic or benign to our knowledge

Labcorp Genetics (formerly Invitae), Labcorp
Classification: Uncertain significance for Methylcobalamin deficiency type cblG. Last evaluated: 2022-09-08. Review status: criteria provided, single submitter. Criteria: Invitae Variant Classification Sherloc (09022015). Collection method: clinical testing. Allele origin: germline.
Comment: This sequence change replaces leucine, which is neutral and non-polar, with isoleucine, which is neutral and non-polar, at codon 5 of the MTR protein (p.Leu5Ile). This variant is present in population databases (rs139083778, gnomAD 0.02%). This variant has not been reported in the literature in individuals affected with MTR-related conditions. ClinVar contains an entry for this variant (Variation ID: 1352967). Algorithms developed to predict the effect of missense changes on protein structure and function (SIFT, PolyPhen-2, Align-GVGD) all suggest that this variant is likely to be tolerated. In summary, the available evidence is currently insufficient to determine the role of this variant in disease. Therefore, it has been classified as a Variant of Uncertain Significance.

NM_000254.3(MTR):c.13C>A (p.Leu5Ile)

Genes: MTR (5-methyltetrahydrofolate-homocysteine methyltransferase; plus strand), LOC129932886 (ATAC-STARR-seq lymphoblastoid active region 2827; plus strand). Cytogenetic location: 1q43.
Variant type: single nucleotide variant.
Coding change: c.13C>A on transcript NM_000254.3 (MANE Select); coding-DNA position 13, C replaced by A.
Protein change: p.Leu5Ile; replaces leucine 5 with isoleucine.
Molecular consequence: missense variant. On other transcripts: 5 prime UTR variant (1).
Genome position (GRCh38, 1-based): chr1:236,795,716, C>A. VCF-style: chr1-236795716-C-A. GRCh37 (hg19) VCF-style: chr1-236959016-C-A.
Other names: c.13C>A, p.Leu5Ile (NM_001291939.1); c.-1096C>A (NM_001291940.2); short protein forms L5I.
Identifiers: ClinVar variation 1352967 (VCV001352967.6), dbSNP rs139083778, ClinGen allele CA1473594.